The following is an entry in ClinVar:

ClinVar aggregate classification (germline): Uncertain significance (0 of 4 stars; one submission).

Conditions:
MOV10-related disorder. Also called: MOV10-related condition.

Submission:

PreventionGenetics, part of Exact Sciences
Classification: Uncertain significance for MOV10-related condition. Last evaluated: 2024-03-22. Review status: no assertion criteria provided. Collection method: clinical testing. Allele origin: germline.
Comment: The MOV10 c.881dupA variant is predicted to result in premature protein termination (p.Tyr294*). To our knowledge, this variant has not been reported in the literature or in a large population database, indicating this variant is rare. Of note, loss of function variants in MOV10 have not been conclusively associated with disease. At this time, the clinical significance of this variant is uncertain due to the absence of conclusive functional and genetic evidence.

NM_001321324.2(MOV10):c.881dup (p.Tyr294Ter)

Gene: MOV10 (Mov10 RNA helicase; plus strand). Cytogenetic location: 1p13.2.
Variant type: Duplication.
Coding change: c.881dup on transcript NM_001321324.2 (MANE Select); coding-DNA position 881, one base duplicated (A; older notation c.881dupA).
Protein change: p.Tyr294Ter; replaces tyrosine 294 with a stop codon.
Molecular consequence: nonsense.
Genome position (GRCh38, 1-based): chr1:112,691,709, A duplicated. VCF-style (leftmost placement, unchanged base first): chr1-112691708-T-TA. GRCh37 (hg19) VCF-style: chr1-113234330-T-TA.
Other names: c.881dup, p.Tyr294Ter (NM_001130079.3, NM_001369507.1, NM_020963.5); c.713dup, p.Tyr238Ter (NM_001286072.2, NM_001389562.1, NM_001389563.1); short protein forms Y238*, Y294*.
Identifiers: ClinVar variation 3349223 (VCV003349223.1).
Genomic context (GRCh38, chr1:112,691,708, plus strand): 5'-TTCCCTCGATTCTGCAGCGCTAAGGGCTATGACCTGGAGTTAAGTATGGCGCTGGGGACA[T>TA]ACTACCCACCTCCCCGCCTCAGGCAGCTGCTCCCCATGCTTCTTCAGGGAACAAGTATCT-3'